The following is an entry in ClinVar:

ClinVar aggregate classification (germline): Likely pathogenic (1 of 4 stars; one submission).

Conditions:
Developmental and epileptic encephalopathy, 42 (DEE42A). Also called: Epileptic encephalopathy, early infantile, 42; DEVELOPMENTAL AND EPILEPTIC ENCEPHALOPATHY 42A; EPILEPTIC ENCEPHALOPATHY, EARLY INFANTILE, 42A. Identifiers: MedGen C4310716, MONDO:0014917, OMIM 617106.
Episodic ataxia type 2 (EA2). Also called: ATAXIA, EPISODIC, WITH NYSTAGMUS; ATAXIA, FAMILIAL PAROXYSMAL; CEREBELLAR ATAXIA, PAROXYSMAL, ACETAZOLAMIDE-RESPONSIVE; CEREBELLOPATHY, HEREDITARY PAROXYSMAL; EPISODIC ATAXIA, NYSTAGMUS-ASSOCIATED; ACETAZOLAMIDE-RESPONSIVE HEREDITARY PAROXYSMAL CEREBELLAR ATAXIA. Identifiers: Orphanet 97, MedGen C1720416, MONDO:0007163, OMIM 108500.

Submission:

Labcorp Genetics (formerly Invitae), Labcorp
Classification: Likely pathogenic for Developmental and epileptic encephalopathy, 42; Episodic ataxia type 2. Last evaluated: 2021-04-23. Review status: criteria provided, single submitter. Criteria: Invitae Variant Classification Sherloc (09022015). Collection method: clinical testing. Allele origin: germline.
Comment: In summary, the currently available evidence indicates that the variant is pathogenic, but additional data are needed to prove that conclusively. Therefore, this variant has been classified as Likely Pathogenic. Algorithms developed to predict the effect of missense changes on protein structure and function are either unavailable or do not agree on the potential impact of this missense change (SIFT: "Deleterious"; PolyPhen-2: "Probably Damaging"; Align-GVGD: "Class C0"). This variant has been observed in individual(s) with clinical features of CACNA1A-related conditions (Invitae). In at least one individual the variant was observed to be de novo. This variant is not present in population databases (ExAC no frequency). This sequence change replaces proline with leucine at codon 1862 of the CACNA1A protein (p.Pro1862Leu). The proline residue is highly conserved and there is a moderate physicochemical difference between proline and leucine.

NM_001127221.2(CACNA1A):c.5585C>T (p.Pro1862Leu)

Gene: CACNA1A (calcium voltage-gated channel subunit alpha1 A; minus strand). Cytogenetic location: 19p13.13.
Variant type: single nucleotide variant.
Coding change: c.5585C>T on transcript NM_001127221.2 (MANE Plus Clinical); coding-DNA position 5585, C replaced by T.
Protein change: p.Pro1862Leu; replaces proline 1862 with leucine.
Molecular consequence: missense variant. On other transcripts: intron variant (4).
Genome position (GRCh38, 1-based): chr19:13,228,742, G>A on the plus strand (C>T on the coding strand, the complement: CACNA1A is on the minus strand). VCF-style: chr19-13228742-G-A. GRCh37 (hg19) VCF-style: chr19-13339556-G-A.
Other names: c.5529-1215C>T (NM_001127222.2); c.5538-1215C>T (NM_001174080.2); c.5547-1215C>T (NM_000068.4, NM_023035.3); short protein forms P1862L.
Identifiers: ClinVar variation 1345444 (VCV001345444.8), dbSNP rs2144616690, ClinGen allele CA404331501.